The following is an entry in ClinVar:

ClinVar aggregate classification (germline): Conflicting classifications of pathogenicity. Review status: criteria provided, conflicting classifications (1 of 4 stars). 3 submissions from 3 submitters: Uncertain significance (1); Likely benign (1). 1 of the submissions does not count toward it. Last evaluated 2026-02-01.

Conditions:
Spondyloepimetaphyseal dysplasia with joint laxity (SEMDJL). Identifiers: MedGen C0432243, MONDO:0019675.
Ehlers-Danlos syndrome, spondylodysplastic type, 2 (EDSSPD2). Also called: Ehlers-Danlos syndrome, progeroid type, 2. Identifiers: Orphanet 536467, Orphanet 75496, MedGen C3809210, MONDO:0014139, OMIM 615349.
B3GALT6-related disorder. Also called: B3GALT6-related condition.

Allele frequency attached by ClinVar (database versions not stated): TOPMed 0.00030; 1000 Genomes Project 30x 0.00047; gnomAD exomes 0.00002; gnomAD 0.00027 and 0.00029; ExAC 0.00028; ESP Exome Variant Server 0.00024; 1000 Genomes Project 0.00060.

Submissions (3):

Labcorp Genetics (formerly Invitae), Labcorp
Classification: Likely benign for Ehlers-Danlos syndrome, spondylodysplastic type, 2; Spondyloepimetaphyseal dysplasia with joint laxity. Last evaluated: 2026-02-01. Review status: criteria provided, single submitter. Criteria: Invitae Variant Classification Sherloc (09022015). Collection method: clinical testing. Allele origin: germline.

Eurofins Ntd Llc (ga)
Classification: Uncertain significance. Last evaluated: 2015-10-08. Review status: criteria provided, single submitter. Criteria: EGL Classification Definitions 2015. Collection method: clinical testing. Allele origin: germline. Observed: 1 variant allele, 1 heterozygote.

PreventionGenetics, part of Exact Sciences
Classification: Likely benign for B3GALT6-related condition. Last evaluated: 2019-08-20. Review status: no assertion criteria provided. Collection method: clinical testing. Allele origin: germline. Not counted in ClinVar's aggregate classification.
Comment: This variant is classified as likely benign based on ACMG/AMP sequence variant interpretation guidelines (Richards et al. 2015 PMID: 25741868, with internal and published modifications).

NM_080605.4(B3GALT6):c.834G>A (p.Thr278=)

Gene: B3GALT6 (beta-1,3-galactosyltransferase 6; plus strand). Cytogenetic location: 1p36.33.
Variant type: single nucleotide variant.
Coding change: c.834G>A on transcript NM_080605.4 (MANE Select); coding-DNA position 834, G replaced by A.
Protein change: p.Thr278=; no amino-acid change (threonine 278 retained).
Molecular consequence: synonymous variant.
Genome position (GRCh38, 1-based): chr1:1,233,112, G>A. VCF-style: chr1-1233112-G-A. GRCh37 (hg19) VCF-style: chr1-1168492-G-A.
Other names: c.834G>A (NM_080605.3).
Identifiers: ClinVar variation 283589 (VCV000283589.11), dbSNP rs368078922, ClinGen allele CA513448.